The following is an entry in ClinVar:

ClinVar aggregate classification (germline): Uncertain significance (1 of 4 stars; one submission).

Submission:

Labcorp Genetics (formerly Invitae), Labcorp
Classification: Uncertain significance. Last evaluated: 2025-01-12. Review status: criteria provided, single submitter. Criteria: Invitae Variant Classification Sherloc (09022015). Collection method: clinical testing. Allele origin: germline.
Comment: This sequence change replaces valine, which is neutral and non-polar, with leucine, which is neutral and non-polar, at codon 600 of the PLEKHM2 protein (p.Val600Leu). This variant is present in population databases (no rsID available, gnomAD 0.007%). This variant has not been reported in the literature in individuals affected with PLEKHM2-related conditions. An algorithm developed to predict the effect of missense changes on protein structure and function (PolyPhen-2) suggests that this variant is likely to be disruptive. In summary, the available evidence is currently insufficient to determine the role of this variant in disease. Therefore, it has been classified as a Variant of Uncertain Significance.

NM_015164.4(PLEKHM2):c.1798G>T (p.Val600Leu)

Gene: PLEKHM2 (pleckstrin homology and RUN domain containing M2; plus strand). Cytogenetic location: 1p36.21.
Variant type: single nucleotide variant.
Coding change: c.1798G>T on transcript NM_015164.4 (MANE Select); coding-DNA position 1798, G replaced by T.
Protein change: p.Val600Leu; replaces valine 600 with leucine.
Molecular consequence: missense variant.
Genome position (GRCh38, 1-based): chr1:15,728,116, G>T. VCF-style: chr1-15728116-G-T. GRCh37 (hg19) VCF-style: chr1-16054611-G-T.
Other names: c.1738G>T, p.Val580Leu (NM_001410755.1); short protein forms V600L, V580L.
Identifiers: ClinVar variation 3716868 (VCV003716868.2).